The following is an entry in ClinVar:

NM_001844.5(COL2A1):c.1024-3C>T

Gene: COL2A1 (collagen type II alpha 1 chain; minus strand). Cytogenetic location: 12q13.11.
Variant type: single nucleotide variant.
Coding change: c.1024-3C>T on transcript NM_001844.5 (MANE Select); 3 bases into the intron before coding-DNA position 1024, C replaced by T.
Molecular consequence: intron variant.
Genome position (GRCh38, 1-based): chr12:47,989,808, G>A on the plus strand (C>T on the coding strand, the complement: COL2A1 is on the minus strand). VCF-style: chr12-47989808-G-A. GRCh37 (hg19) VCF-style: chr12-48383591-G-A.
Other names: c.817-3C>T (NM_033150.3).
Identifiers: ClinVar variation 2106891 (VCV002106891.4), dbSNP rs1939617737, ClinGen allele CA2034462163.

ClinVar aggregate classification (germline): Uncertain significance (1 of 4 stars; one submission).

Submission:

Labcorp Genetics (formerly Invitae), Labcorp
Classification: Uncertain significance. Last evaluated: 2023-02-10. Review status: criteria provided, single submitter. Criteria: Invitae Variant Classification Sherloc (09022015). Collection method: clinical testing. Allele origin: germline.
Comment: This sequence change falls in intron 16 of the COL2A1 gene. It does not directly change the encoded amino acid sequence of the COL2A1 protein. It affects a nucleotide within the consensus splice site. This variant is not present in population databases (gnomAD no frequency). This variant has not been reported in the literature in individuals affected with COL2A1-related conditions. Variants that disrupt the consensus splice site are a relatively common cause of aberrant splicing (PMID: 17576681, 9536098). Algorithms developed to predict the effect of sequence changes on RNA splicing suggest that this variant is not likely to affect RNA splicing. In summary, the available evidence is currently insufficient to determine the role of this variant in disease. Therefore, it has been classified as a Variant of Uncertain Significance.

Literature cited by the submitters: PubMed 17576681; PubMed 9536098.